The following is an entry in ClinVar:

ClinVar aggregate classification (germline): Benign/Likely benign. Review status: criteria provided, multiple submitters, no conflicts (2 of 4 stars). 8 submissions from 7 submitters: Benign (7); Likely benign (1). Last evaluated 2026-05-11.

Conditions:
Pseudoachondroplastic spondyloepiphyseal dysplasia syndrome (PSACH). Also called: PSEUDOACHONDROPLASTIC DYSPLASIA; Pseudoachondroplasia; COMP-Related Pseudoachondroplasia. Identifiers: Orphanet 750, MedGen C0410538, MONDO:0008322, OMIM 177170.
Multiple epiphyseal dysplasia type 1. Also called: COMP-Related Multiple Epiphyseal Dysplasia. Identifiers: Orphanet 93308, MedGen C1838280, MONDO:0007561, OMIM 132400.
Connective tissue disorder. Also called: Connective tissue disease. Identifiers: MedGen C0009782, MONDO:0003900.

Allele frequency attached by ClinVar (database versions not stated): TOPMed 0.00808; gnomAD 0.00834 and 0.00780; ESP Exome Variant Server 0.00892; 1000 Genomes Project 30x 0.01109; 1000 Genomes Project 0.01138; gnomAD exomes 0.00082 and 0.00194; ExAC 0.00253.
gnomAD v4.1: 2,458 of 1,614,072 alleles (0.15%); highest among the groups gnomAD compares: African/African-American, 2.7%; 40 homozygotes.

Submissions (8):

Women's Health and Genetics/Laboratory Corporation of America, LabCorp
Classification: Benign. Last evaluated: 2026-05-11. Review status: criteria provided, single submitter. Criteria: LabCorp Variant Classification Summary - May 2015. Collection method: clinical testing. Allele origin: germline.

Labcorp Genetics (formerly Invitae), Labcorp
Classification: Benign. Last evaluated: 2026-01-26. Review status: criteria provided, single submitter. Criteria: Invitae Variant Classification Sherloc (09022015). Collection method: clinical testing. Allele origin: germline.

ARUP Laboratories, Molecular Genetics and Genomics, ARUP Laboratories
Classification: Benign. Last evaluated: 2025-02-25. Review status: criteria provided, single submitter. Criteria: ARUP Molecular Germline Variant Investigation Process 2024. Collection method: clinical testing. Allele origin: germline.

Genome Diagnostics Laboratory, The Hospital for Sick Children
Classification: Likely benign for Connective tissue disorder. Last evaluated: 2019-06-01. Review status: criteria provided, single submitter. Criteria: ACMG Guidelines, 2015. Collection method: clinical testing. Allele origin: germline.

GeneDx
Classification: Benign. Last evaluated: 2019-01-09. Review status: criteria provided, single submitter. Criteria: GeneDx Variant Classification Process June 2021. Collection method: clinical testing. Allele origin: germline. Affected: yes.

Illumina Laboratory Services, Illumina
Classification: Benign for Pseudoachondroplastic spondyloepiphyseal dysplasia syndrome. Last evaluated: 2018-01-13. Review status: criteria provided, single submitter. Criteria: ICSL Variant Classification Criteria 13 December 2019. Collection method: clinical testing. Allele origin: germline.
Comment: This variant was observed in the ICSL laboratory as part of a predisposition screen in an ostensibly healthy population. It had not been previously curated by ICSL or reported in the Human Gene Mutation Database (HGMD: prior to June 1st, 2018), and was therefore a candidate for classification through an automated scoring system. Utilizing variant allele frequency, disease prevalence and penetrance estimates, and inheritance mode, an automated score was calculated to assess if this variant is too frequent to cause the disease. Based on the score and internal cut-off values, a variant classified as benign is not then subjected to further curation. The score for this variant resulted in a classification of benign for this disease.

Illumina Laboratory Services, Illumina
Classification: Benign for Multiple epiphyseal dysplasia type 1. Last evaluated: 2018-01-13. Review status: criteria provided, single submitter. Criteria: ICSL Variant Classification Criteria 13 December 2019. Collection method: clinical testing. Allele origin: germline.
Comment: the same text as in the submission from Illumina Laboratory Services, Illumina above.

Breakthrough Genomics
Classification: Benign. Review status: criteria provided, single submitter. Criteria: ACMG Guidelines, 2015. Collection method: not provided. Allele origin: germline. Inheritance: Autosomal dominant inheritance. Affected: yes.

NM_000095.3(COMP):c.1956C>T (p.Asn652=)

Gene: COMP (cartilage oligomeric matrix protein; minus strand). Cytogenetic location: 19p13.11.
Variant type: single nucleotide variant.
Coding change: c.1956C>T on transcript NM_000095.3 (MANE Select); coding-DNA position 1956, C replaced by T.
Protein change: p.Asn652=; no amino-acid change (asparagine 652 retained).
Molecular consequence: synonymous variant.
Genome position (GRCh38, 1-based): chr19:18,784,322, G>A on the plus strand (C>T on the coding strand, the complement: COMP is on the minus strand). VCF-style: chr19-18784322-G-A. GRCh37 (hg19) VCF-style: chr19-18895132-G-A.
Identifiers: ClinVar variation 777452 (VCV000777452.28), dbSNP rs10421797, ClinGen allele CA9316216.
Genomic context (GRCh38, chr19:18,784,322, plus strand): 5'-TCGCGGGTCCTTCCACAGCAGCCGCACCTGGGACTCTGTGTCTCCTGTATGCCACAGAGC[G>A]TTCCGCAGCTGTTCCCCGGGGCCTGTGGAAGACTTCACAGCCTGCCAATACCCAGGAAAG-3'
Protein context (NP_000086.2, residues 642-662): SSTGPGEQLR[Asn652=]ALWHTGDTES